The following is an entry in ClinVar:

NM_138694.4(PKHD1):c.6284_6285insAGATG (p.Val2096fs)

Gene: PKHD1 (PKHD1 ciliary IPT domain containing fibrocystin/polyductin; minus strand). Cytogenetic location: 6p12.2.
Variant type: Insertion.
Coding change: c.6284_6285insAGATG on transcript NM_138694.4 (MANE Select); coding-DNA positions 6284 to 6285, AGATG inserted.
Protein change: p.Val2096fs; shifts the reading frame from valine 2096.
Molecular consequence: frameshift variant.
Genome position: GRCh38 VCF-style: chr6-51912413-A-ACATCT. GRCh37 (hg19) VCF-style: chr6-51777211-A-ACATCT.
Other names: c.6284_6285insAGATG, p.Val2096fs (NM_170724.3); short protein forms V2096fs.
Identifiers: ClinVar variation 1726273 (VCV001726273.2), dbSNP rs2536680113, ClinGen allele CA2580075497.
Genomic context (GRCh38, chr6:51,912,413, plus strand): 5'-TGACACTCAGTACCTCAAAGGTGACTTAAGATAGAGGTCTGTATCCTGCACAGTTTCCAC[A>ACATCT]GTGACAATCTCTTCCATCGGTTTGGCACCTTTAACACCTGTTCCACTGATGATGACAACT-3'

ClinVar aggregate classification (germline): Likely pathogenic (1 of 4 stars; one submission).

Conditions:
Polycystic kidney disease 4 (PKD4). Also called: POLYCYSTIC KIDNEY AND HEPATIC DISEASE 1; POLYCYSTIC KIDNEY DISEASE, INFANTILE, TYPE I; POLYCYSTIC KIDNEY DISEASE 4 WITH OR WITHOUT POLYCYSTIC LIVER DISEASE; PKD3; Autosomal Recessive Polycystic Kidney Disease – PKHD1. Identifiers: MedGen C4540575, MONDO:0033004, OMIM 263200.

Submission:

Myriad Genetics, Inc.
Classification: Likely pathogenic for Polycystic kidney disease 4. Last evaluated: 2021-12-10. Review status: criteria provided, single submitter. Criteria: Myriad Women's Health Autosomal Recessive and X-Linked Classification Criteria (2021). Collection method: clinical testing. Allele origin: unknown.
Comment: NM_138694.3(PKHD1):c.6284_6285ins5(V2096Dfs*17) is expected to be pathogenic in the context of autosomal recessive polycystic kidney disease, PKHD1-related. This variant is predicted to lead to an abnormal or absent protein product due to the creation of a premature termination codon in PKHD1, a gene where loss-of-function variants are known to be pathogenic. Please note: this variant was assessed in the context of healthy population screening.